The following is an entry in ClinVar:

NM_001134407.3(GRIN2A):c.58_67dup (p.Pro23fs)

Gene: GRIN2A (glutamate ionotropic receptor NMDA type subunit 2A; minus strand). Cytogenetic location: 16p13.2.
Variant type: Duplication.
Coding change: c.58_67dup on transcript NM_001134407.3 (MANE Select); coding-DNA positions 58 to 67, 10 bases duplicated (GGTCCGGCGC; older notation c.58_67dupGGTCCGGCGC).
Protein change: p.Pro23fs; shifts the reading frame from proline 23.
Molecular consequence: frameshift variant.
Genome position (GRCh38, 1-based): chr16:10,180,345-10,180,354, GCGCCGGACC duplicated on the plus strand (GGTCCGGCGC on the coding strand, the reverse complement: GRIN2A is on the minus strand); duplicating any 10 consecutive bases within chr16:10,180,345-10,180,359 gives the same sequence; the c. name uses the placement nearest the transcript's 3' end. VCF-style (leftmost placement, unchanged base first): chr16-10180344-G-GGCGCCGGACC. GRCh37 (hg19) VCF-style: chr16-10274201-G-GGCGCCGGACC.
Other names: c.58_67dup, p.Pro23fs (NM_000833.5, NM_001134408.2); short protein forms P23fs.
Identifiers: ClinVar variation 664825 (VCV000664825.7), dbSNP rs1596587476, ClinGen allele CA915946271.

ClinVar aggregate classification (germline): Pathogenic (1 of 4 stars; one submission).

Conditions:
Landau-Kleffner syndrome (FESD). Also called: EPILEPSY, FOCAL, WITH SPEECH DISORDER AND WITH OR WITHOUT MENTAL RETARDATION; APHASIA, ACQUIRED, WITH EPILEPSY. Identifiers: Orphanet 1945, Orphanet 725, Orphanet 98818, MedGen C0282512, MONDO:0009509, OMIM 245570.

Submission:

Labcorp Genetics (formerly Invitae), Labcorp
Classification: Pathogenic for Landau-Kleffner syndrome. Last evaluated: 2018-10-08. Review status: criteria provided, single submitter. Criteria: Invitae Variant Classification Sherloc (09022015). Collection method: clinical testing. Allele origin: germline.
Comment: For these reasons, this variant has been classified as Pathogenic. Loss-of-function variants in GRIN2A are known to be pathogenic (PMID: 23933819, 23933820). This variant has not been reported in the literature in individuals with GRIN2A-related disease. This variant is not present in population databases (ExAC no frequency). This sequence change creates a premature translational stop signal (p.Pro23Argfs*118) in the GRIN2A gene. It is expected to result in an absent or disrupted protein product.

Literature cited by the submitters: PubMed 23933819; PubMed 23933820.